The following is an entry in ClinVar:

ClinVar aggregate classification (germline): Pathogenic (1 of 4 stars; one submission).

Conditions:
Retinoblastoma (RB1). Also called: RETINOBLASTOMA, SOMATIC. Identifiers: Orphanet 790, MedGen C0035335, MeSH D012175, MONDO:0008380, OMIM 180200, HP:0009919. Disease mechanism: loss of function. Inheritance: Both sporadic and heritable forms are tested..

Submission:

Genetic Diagnostic Laboratory, University of Pennsylvania School of Medicine
Classification: Pathogenic for Retinoblastoma. Last evaluated: 2024-05-20. Review status: criteria provided, single submitter. Criteria: ACMG Guidelines, 2015. Collection method: clinical testing. Allele origin: germline. Affected: yes. Observed: 1 variant allele.
Comment: Case and Pedigree Information: BILATERAL CASES:1, UNILATERAL CASES:0, TOTAL CASES:1, PEDIGREES:1. ACMG Codes Applied:PVS1, PM2

NM_000321.3(RB1):c.717T>G (p.Tyr239Ter)

Gene: RB1 (RB transcriptional corepressor 1; plus strand). Cytogenetic location: 13q14.2.
Variant type: single nucleotide variant.
Coding change: c.717T>G on transcript NM_000321.3 (MANE Select); coding-DNA position 717, T replaced by G.
Protein change: p.Tyr239Ter; replaces tyrosine 239 with a stop codon.
Molecular consequence: nonsense.
Genome position (GRCh38, 1-based): chr13:48,360,126, T>G. VCF-style: chr13-48360126-T-G. GRCh37 (hg19) VCF-style: chr13-48934262-T-G.
Other names: c.717T>G, p.Tyr239Ter (NM_001407165.1, NM_001407166.1); short protein forms Y239*.
Identifiers: ClinVar variation 3237145 (VCV003237145.1), dbSNP rs776450325.